The following is an entry in ClinVar:

NM_183235.3(RAB27A):c.121A>C (p.Thr41Pro)

Gene: RAB27A (RAB27A, member RAS oncogene family; minus strand). Cytogenetic location: 15q21.3.
Variant type: single nucleotide variant.
Coding change: c.121A>C on transcript NM_183235.3 (MANE Select); coding-DNA position 121, A replaced by C.
Protein change: p.Thr41Pro; replaces threonine 41 with proline.
Molecular consequence: missense variant.
Genome position (GRCh38, 1-based): chr15:55,234,814, T>G on the plus strand (A>C on the coding strand, the complement: RAB27A is on the minus strand). VCF-style: chr15-55234814-T-G. GRCh37 (hg19) VCF-style: chr15-55527012-T-G.
Other names: c.121A>C, p.Thr41Pro (NM_004580.5, NM_183234.3, NM_183236.3); short protein forms T41P.
Identifiers: ClinVar variation 1483499 (VCV001483499.6), dbSNP rs1896186645, ClinGen allele CA392530824.

ClinVar aggregate classification (germline): Likely pathogenic (1 of 4 stars; one submission).

Conditions:
Griscelli syndrome type 2 (GS2). Also called: PAID SYNDROME; PARTIAL ALBINISM AND IMMUNODEFICIENCY SYNDROME; GRISCELLI SYNDROME WITH HEMOPHAGOCYTIC SYNDROME. Identifiers: Orphanet 381, Orphanet 79477, MedGen C1868679, MONDO:0011872, OMIM 607624.

Submission:

Labcorp Genetics (formerly Invitae), Labcorp
Classification: Likely pathogenic for Griscelli syndrome type 2. Last evaluated: 2025-03-31. Review status: criteria provided, single submitter. Criteria: Invitae Variant Classification Sherloc (09022015). Collection method: clinical testing. Allele origin: germline.
Comment: This sequence change replaces threonine, which is neutral and polar, with proline, which is neutral and non-polar, at codon 41 of the RAB27A protein (p.Thr41Pro). This variant is not present in population databases (gnomAD no frequency). This variant has not been reported in the literature in individuals affected with RAB27A-related conditions. ClinVar contains an entry for this variant (Variation ID: 1483499). Invitae Evidence Modeling of protein sequence and biophysical properties (such as structural, functional, and spatial information, amino acid conservation, physicochemical variation, residue mobility, and thermodynamic stability) indicates that this missense variant is expected to disrupt RAB27A protein function with a positive predictive value of 95%. This variant disrupts the p.Thr41 amino acid residue in RAB27A. Other variant(s) that disrupt this residue have been determined to be pathogenic (PMID: 32542393; internal data). This suggests that this residue is clinically significant, and that variants that disrupt this residue are likely to be disease-causing. In summary, the currently available evidence indicates that the variant is pathogenic, but additional data are needed to prove that conclusively. Therefore, this variant has been classified as Likely Pathogenic.

Literature cited by the submitters: PubMed 32542393.